The following is an entry in ClinVar:

ClinVar aggregate classification (germline): Likely benign. Review status: criteria provided, single submitter (1 of 4 stars). 2 submissions from 2 submitters: Likely benign (1). 1 of the submissions does not count toward it. Last evaluated 2018-08-20.

Conditions:
PEG3-related disorder. Also called: PEG3-related condition.

Allele frequency attached by ClinVar (database versions not stated): ESP Exome Variant Server 0.00054; TOPMed 0.00123; gnomAD 0.00126 and 0.00135; 1000 Genomes Project 0.00140; 1000 Genomes Project 30x 0.00141; gnomAD exomes 0.00012 and 0.00030; ExAC 0.00034.
gnomAD v4.1: 379 of 1,614,204 alleles (0.023%); highest among the groups gnomAD compares: African/African-American, 0.46%; no homozygotes.

Submissions (2):

Labcorp Genetics (formerly Invitae), Labcorp
Classification: Likely benign. Last evaluated: 2018-08-20. Review status: criteria provided, single submitter. Criteria: Invitae Variant Classification Sherloc (09022015). Collection method: clinical testing. Allele origin: germline.

PreventionGenetics, part of Exact Sciences
Classification: Likely benign for PEG3-related condition. Last evaluated: 2023-04-24. Review status: no assertion criteria provided. Collection method: clinical testing. Allele origin: germline. Not counted in ClinVar's aggregate classification.
Comment: This variant is classified as likely benign based on ACMG/AMP sequence variant interpretation guidelines (Richards et al. 2015 PMID: 25741868, with internal and published modifications).

NM_001387356.1(ZIM2):c.348C>A (p.His116Gln)

Genes: PEG3 (paternally expressed 3; minus strand), ZIM2 (zinc finger imprinted 2; minus strand). Cytogenetic location: 19q13.43.
Variant type: single nucleotide variant.
Coding change: c.348C>A on transcript NM_001387356.1 (MANE Select); coding-DNA position 348, C replaced by A.
Protein change: p.His116Gln; replaces histidine 116 with glutamine.
Molecular consequence: missense variant. On other transcripts: non-coding transcript variant (4).
Genome position (GRCh38, 1-based): chr19:56,818,649, G>T on the plus strand (C>A on the coding strand, the complement: ZIM2 is on the minus strand). VCF-style: chr19-56818649-G-T. GRCh37 (hg19) VCF-style: chr19-57330017-G-T.
Other names: NM_001146186.1:c.723C>A; c.348C>A, p.His116Gln (NM_001146326.2, NM_001146327.2, NM_001369770.1 and 28 more transcripts); c.723C>A, p.His241Gln (NM_001146184.2, NM_006210.3); c.345C>A, p.His115Gln (NM_001146185.2); c.726C>A, p.His242Gln (NM_001369717.1, NM_001369718.1, NM_001369719.1); short protein forms H116Q, H115Q, H241Q, H242Q.
Identifiers: ClinVar variation 732686 (VCV000732686.5), dbSNP rs80150589, ClinGen allele CA9693820.